The following is an entry in ClinVar:

NM_000448.3(RAG1):c.1460T>G (p.Met487Arg)

Gene: RAG1 (recombination activating 1; plus strand). Cytogenetic location: 11p12.
Variant type: single nucleotide variant.
Coding change: c.1460T>G on transcript NM_000448.3 (MANE Select); coding-DNA position 1460, T replaced by G.
Protein change: p.Met487Arg; replaces methionine 487 with arginine.
Molecular consequence: missense variant.
Genome position (GRCh38, 1-based): chr11:36,574,764, T>G. VCF-style: chr11-36574764-T-G. GRCh37 (hg19) VCF-style: chr11-36596314-T-G.
Other names: c.1460T>G, p.Met487Arg (NM_001377277.1, NM_001377278.1, NM_001377279.1 and 1 more transcripts); short protein forms M487R.
Identifiers: ClinVar variation 1120224 (VCV001120224.2), dbSNP rs1850812562, ClinGen allele CA380152576.

ClinVar aggregate classification (germline): Pathogenic (1 of 4 stars; one submission).

Conditions:
Severe combined immunodeficiency, autosomal recessive, T cell-negative, B cell-negative, NK cell-positive. Also called: SCID, AR, T-cell negative, B-cell negative, NK cell-positive; Severe combined immunodeficiency due to complete RAG1/2 deficiency; SCID, T CELL-NEGATIVE, B CELL-NEGATIVE, NK CELL-POSITIVE. Identifiers: Orphanet 331206, MedGen C1832322, MONDO:0011086, OMIM 601457.

Submission:

Pars Genome Lab
Classification: Pathogenic for Severe combined immunodeficiency, autosomal recessive, T cell-negative, B cell-negative, NK cell-positive. Last evaluated: 2021-05-30. Review status: criteria provided, single submitter. Criteria: ACMG Guidelines, 2015. Collection method: clinical testing. Allele origin: germline. Inheritance: Autosomal recessive inheritance. Affected: yes. Observed: 1 variant allele, 1 homozygote.